The following is an entry in ClinVar:

ClinVar aggregate classification (germline): Uncertain significance (1 of 4 stars; one submission).

Submission:

Labcorp Genetics (formerly Invitae), Labcorp
Classification: Uncertain significance. Last evaluated: 2022-12-22. Review status: criteria provided, single submitter. Criteria: Invitae Variant Classification Sherloc (09022015). Collection method: clinical testing. Allele origin: germline.
Comment: This sequence change replaces glutamine, which is neutral and polar, with proline, which is neutral and non-polar, at codon 2061 of the POLE protein (p.Gln2061Pro). This variant is not present in population databases (gnomAD no frequency). This variant has not been reported in the literature in individuals affected with POLE-related conditions. Advanced modeling of protein sequence and biophysical properties (such as structural, functional, and spatial information, amino acid conservation, physicochemical variation, residue mobility, and thermodynamic stability) performed at Invitae indicates that this missense variant is not expected to disrupt POLE protein function. In summary, the available evidence is currently insufficient to determine the role of this variant in disease. Therefore, it has been classified as a Variant of Uncertain Significance.

NM_006231.4(POLE):c.6182A>C (p.Gln2061Pro)

Gene: POLE (DNA polymerase epsilon, catalytic subunit; minus strand). Cytogenetic location: 12q24.33.
Variant type: single nucleotide variant.
Coding change: c.6182A>C on transcript NM_006231.4 (MANE Select); coding-DNA position 6182, A replaced by C.
Protein change: p.Gln2061Pro; replaces glutamine 2061 with proline.
Molecular consequence: missense variant.
Genome position (GRCh38, 1-based): chr12:132,632,463, T>G on the plus strand (A>C on the coding strand, the complement: POLE is on the minus strand). VCF-style: chr12-132632463-T-G. GRCh37 (hg19) VCF-style: chr12-133209049-T-G.
Other names: short protein forms Q2061P.
Identifiers: ClinVar variation 2823350 (VCV002823350.3), dbSNP rs2138461044, ClinGen allele CA387369862.